The following is an entry in ClinVar:

ClinVar aggregate classification (germline): Conflicting classifications of pathogenicity. Review status: criteria provided, conflicting classifications (1 of 4 stars). 2 submissions from 2 submitters: Uncertain significance (1); Likely benign (1). Last evaluated 2023-03-23.

Conditions:
Hereditary cancer-predisposing syndrome. Also called: Hereditary neoplastic syndrome; Tumor predisposition; Neoplastic Syndromes, Hereditary; Hereditary Cancer Syndrome. Identifiers: Orphanet 140162, MedGen C0027672, MeSH D009386, MONDO:0015356.
Hereditary breast ovarian cancer syndrome. Also called: Hereditary breast and ovarian cancer; Breast and ovarian cancer; BRCA1- and BRCA2-Associated Hereditary Breast and Ovarian Cancer; Hereditary breast and/or ovarian cancer syndrome; Hereditary breast and ovarian cancer syndrome; Hereditary breast and ovarian cancer syndrome (HBOC). Identifiers: Orphanet 145, MedGen C0677776, MeSH D061325, MONDO:0003582. Disease mechanism: loss of function.

Submissions (2):

University of Washington Department of Laboratory Medicine, University of Washington
Classification: Likely benign for Hereditary cancer-predisposing syndrome. Last evaluated: 2023-03-23. Review status: criteria provided, single submitter. Criteria: Dines et al. (Genet Med. 2020). Collection method: curation. Allele origin: germline.
Comment: Missense variant in a coldspot region where missense variants are very unlikely to be pathogenic (PMID:31911673).

BRCA2 exon 11 coldspot. Reclassification based on statistical prior probability.

Labcorp Genetics (formerly Invitae), Labcorp
Classification: Uncertain significance for Hereditary breast ovarian cancer syndrome. Last evaluated: 2021-07-03. Review status: criteria provided, single submitter. Criteria: Invitae Variant Classification Sherloc (09022015). Collection method: clinical testing. Allele origin: germline.
Comment: In summary, the available evidence is currently insufficient to determine the role of this variant in disease. Therefore, it has been classified as a Variant of Uncertain Significance. Advanced modeling of protein sequence and biophysical properties (such as structural, functional, and spatial information, amino acid conservation, physicochemical variation, residue mobility, and thermodynamic stability) performed at Invitae indicates that this missense variant is not expected to disrupt BRCA2 protein function. This variant has not been reported in the literature in individuals affected with BRCA2-related conditions. This variant is not present in population databases (ExAC no frequency). This sequence change replaces leucine with serine at codon 1152 of the BRCA2 protein (p.Leu1152Ser). The leucine residue is weakly conserved and there is a large physicochemical difference between leucine and serine.

NM_000059.4(BRCA2):c.3455T>C (p.Leu1152Ser)

Gene: BRCA2 (BRCA2 DNA repair associated; plus strand). Cytogenetic location: 13q13.1.
Variant type: single nucleotide variant.
Coding change: c.3455T>C on transcript NM_000059.4 (MANE Select); coding-DNA position 3455, T replaced by C.
Protein change: p.Leu1152Ser; replaces leucine 1152 with serine.
Molecular consequence: missense variant.
Genome position (GRCh38, 1-based): chr13:32,337,810, T>C. VCF-style: chr13-32337810-T-C. GRCh37 (hg19) VCF-style: chr13-32911947-T-C.
Other names: short protein forms L1152S.
Identifiers: ClinVar variation 1503316 (VCV001503316.9), dbSNP rs80358593, ClinGen allele CA387776701.